The following is an entry in ClinVar:

ClinVar aggregate classification (germline): Conflicting classifications of pathogenicity. Review status: criteria provided, conflicting classifications (1 of 4 stars). 6 submissions from 6 submitters: Uncertain significance (1); Benign (2); Likely benign (2). 1 of the submissions does not count toward it. Last evaluated 2025-07-01.

Conditions:
EPHA2-related disorder. Also called: EPHA2-related condition.
Cataract 6 multiple types. Also called: CATARACT 6, POSTERIOR POLAR; CATARACT 6, CONGENITAL TOTAL; CATARACT, AGE-RELATED CORTICAL, 2. Identifiers: Orphanet 91492, MedGen C1861825, MONDO:0007288, OMIM 116600.

Allele frequency attached by ClinVar (database versions not stated): ESP Exome Variant Server 0.00023; gnomAD exomes 0.00031 and 0.00048; ExAC 0.00035; gnomAD 0.00036 and 0.00038; 1000 Genomes Project 0.00040; TOPMed 0.00056; 1000 Genomes Project 30x 0.00062.
gnomAD v4.1: 548 of 1,613,322 alleles (0.034%); highest among the groups gnomAD compares: Middle Eastern, 0.21%; no homozygotes.

Submissions (6):

CeGaT Center for Human Genetics Tuebingen
Classification: Benign. Last evaluated: 2025-07-01. Review status: criteria provided, single submitter. Criteria: CeGaT Center For Human Genetics Tuebingen Variant Classification Criteria Version 2. Collection method: clinical testing. Allele origin: germline. Affected: yes. Observed: 3 variant alleles.
Comment: EPHA2: BS1, BS2

Labcorp Genetics (formerly Invitae), Labcorp
Classification: Likely benign for Cataract 6 multiple types. Last evaluated: 2024-04-30. Review status: criteria provided, single submitter. Criteria: Invitae Variant Classification Sherloc (09022015). Collection method: clinical testing. Allele origin: germline.

GeneDx
Classification: Uncertain significance. Last evaluated: 2023-12-28. Review status: criteria provided, single submitter. Criteria: GeneDx Variant Classification Process June 2021. Collection method: clinical testing. Allele origin: germline. Affected: yes.
Comment: Identified in a patients with congenital cataracts in published literature(PMID: 24014202, Dai2016[paper]); In silico analysis supports that this missense variant does not alter protein structure/function; This variant is associated with the following publications: (PMID: 26900323, 24014202, 29554915, 34426522, 30306850, 27681698, 32570879, Dai2016[paper], 35918037, 35295853)

Illumina Laboratory Services, Illumina
Classification: Benign for Cataract 6 multiple types. Last evaluated: 2018-01-12. Review status: criteria provided, single submitter. Criteria: ICSL Variant Classification Criteria 13 December 2019. Collection method: clinical testing. Allele origin: germline.
Comment: This variant was observed in the ICSL laboratory as part of a predisposition screen in an ostensibly healthy population. It had not been previously curated by ICSL or reported in the Human Gene Mutation Database (HGMD: prior to June 1st, 2018), and was therefore a candidate for classification through an automated scoring system. Utilizing variant allele frequency, disease prevalence and penetrance estimates, and inheritance mode, an automated score was calculated to assess if this variant is too frequent to cause the disease. Based on the score and internal cut-off values, a variant classified as benign is not then subjected to further curation. The score for this variant resulted in a classification of benign for this disease.

Breakthrough Genomics
Classification: Likely benign. Review status: criteria provided, single submitter. Criteria: ACMG Guidelines, 2015. Collection method: not provided. Allele origin: germline. Inheritance: Autosomal dominant inheritance. Affected: yes.

PreventionGenetics, part of Exact Sciences
Classification: Likely benign for EPHA2-related condition. Last evaluated: 2024-03-25. Review status: no assertion criteria provided. Collection method: clinical testing. Allele origin: germline. Not counted in ClinVar's aggregate classification.
Comment: This variant is classified as likely benign based on ACMG/AMP sequence variant interpretation guidelines (Richards et al. 2015 PMID: 25741868, with internal and published modifications).

NM_004431.5(EPHA2):c.2875G>A (p.Ala959Thr)

Gene: EPHA2 (EPH receptor A2; minus strand). Cytogenetic location: 1p36.13.
Variant type: single nucleotide variant.
Coding change: c.2875G>A on transcript NM_004431.5 (MANE Select); coding-DNA position 2875, G replaced by A.
Protein change: p.Ala959Thr; replaces alanine 959 with threonine.
Molecular consequence: missense variant.
Genome position (GRCh38, 1-based): chr1:16,125,271, C>T on the plus strand (G>A on the coding strand, the complement: EPHA2 is on the minus strand). VCF-style: chr1-16125271-C-T. GRCh37 (hg19) VCF-style: chr1-16451766-C-T.
Other names: c.2713G>A, p.Ala905Thr (NM_001329090.2); c.2875G>A (NM_004431.4); short protein forms A959T, A905T.
Identifiers: ClinVar variation 293408 (VCV000293408.38), dbSNP rs139787163, ClinGen allele CA624672.
Genomic context (GRCh38, chr1:16,125,271, plus strand): 5'-AGGCTCAGATGGGGATCCCCACAGTGTTCACCTGGTCCTTGAGTCCCAGCAGGCTGTAGG[C>T]GATGCGCTTCTGGTGGCCGGGCAGCCGCACCCCAATCCTCTTGATGTCGCTGTGGGCCGG-3'
Protein context (NP_004422.2, residues 949-969): VRLPGHQKRI[Ala959Thr]YSLLGLKDQV